The following is an entry in ClinVar:

ClinVar aggregate classification (germline): Uncertain significance (1 of 4 stars; one submission).

Allele frequency attached by ClinVar (database versions not stated): gnomAD exomes below 0.00001.
gnomAD v4.1: 1 of 1,447,082 alleles (0.000069%); highest among the groups gnomAD compares: East Asian, 0.0024%; no homozygotes.

Submission:

Labcorp Genetics (formerly Invitae), Labcorp
Classification: Uncertain significance. Last evaluated: 2022-01-01. Review status: criteria provided, single submitter. Criteria: Invitae Variant Classification Sherloc (09022015). Collection method: clinical testing. Allele origin: germline.
Comment: In summary, the available evidence is currently insufficient to determine the role of this variant in disease. Therefore, it has been classified as a Variant of Uncertain Significance. Algorithms developed to predict the effect of missense changes on protein structure and function output the following: SIFT: "Tolerated"; PolyPhen-2: "Benign"; Align-GVGD: "Class C0". The isoleucine amino acid residue is found in multiple mammalian species, which suggests that this missense change does not adversely affect protein function. This variant has not been reported in the literature in individuals affected with ADGRV1-related conditions. This variant is not present in population databases (gnomAD no frequency). This sequence change replaces threonine, which is neutral and polar, with isoleucine, which is neutral and non-polar, at codon 4676 of the ADGRV1 protein (p.Thr4676Ile).

NM_032119.4(ADGRV1):c.14027C>T (p.Thr4676Ile)

Gene: ADGRV1 (adhesion G protein-coupled receptor V1; plus strand). Cytogenetic location: 5q14.3.
Variant type: single nucleotide variant.
Coding change: c.14027C>T on transcript NM_032119.4 (MANE Select); coding-DNA position 14027, C replaced by T.
Protein change: p.Thr4676Ile; replaces threonine 4676 with isoleucine.
Molecular consequence: missense variant. On other transcripts: non-coding transcript variant (1).
Genome position (GRCh38, 1-based): chr5:90,789,835, C>T. VCF-style: chr5-90789835-C-T. GRCh37 (hg19) VCF-style: chr5-90085652-C-T.
Other names: short protein forms T4676I.
Identifiers: ClinVar variation 2069417 (VCV002069417.4), dbSNP rs2531995765, ClinGen allele CA360399126.